The following is an entry in ClinVar:

ClinVar aggregate classification (germline): Likely benign. Review status: criteria provided, multiple submitters, no conflicts (2 of 4 stars). 3 submissions from 3 submitters: Likely benign (2). 1 of the submissions does not count toward it. Last evaluated 2024-07-30.

Conditions:
Mitochondrial complex I deficiency. Also called: NADH:Q(1) OXIDOREDUCTASE DEFICIENCY. Identifiers: Orphanet 2609, MedGen C1838979, MeSH C537475, MONDO:0100133.

Allele frequency attached by ClinVar (database versions not stated): TOPMed 0.00001; gnomAD 0.00002; gnomAD exomes 0.00002; ExAC 0.00003; ESP Exome Variant Server 0.00008.
gnomAD v4.1: 28 of 1,613,928 alleles (0.0017%); highest among the groups gnomAD compares: Non-Finnish European, 0.0023%; no homozygotes.

Submissions (3):

Labcorp Genetics (formerly Invitae), Labcorp
Classification: Likely benign. Last evaluated: 2024-07-30. Review status: criteria provided, single submitter. Criteria: Invitae Variant Classification Sherloc (09022015). Collection method: clinical testing. Allele origin: germline.

CeGaT Center for Human Genetics Tuebingen
Classification: Likely benign. Last evaluated: 2023-09-01. Review status: criteria provided, single submitter. Criteria: CeGaT Center For Human Genetics Tuebingen Variant Classification Criteria Version 2. Collection method: clinical testing. Allele origin: germline. Affected: yes. Observed: 2 variant alleles.
Comment: NDUFS6: BP4, BP7

Natera, Inc.
Classification: Likely benign for Mitochondrial complex I deficiency. Last evaluated: 2020-04-20. Review status: no assertion criteria provided. Collection method: clinical testing. Allele origin: germline. Not counted in ClinVar's aggregate classification.

NM_004553.6(NDUFS6):c.165G>T (p.Arg55=)

Gene: NDUFS6 (NADH:ubiquinone oxidoreductase subunit S6; plus strand). Cytogenetic location: 5p15.33.
Variant type: single nucleotide variant.
Coding change: c.165G>T on transcript NM_004553.6 (MANE Select); coding-DNA position 165, G replaced by T.
Protein change: p.Arg55=; no amino-acid change (arginine 55 retained).
Molecular consequence: synonymous variant.
Genome position (GRCh38, 1-based): chr5:1,802,353, G>T. VCF-style: chr5-1802353-G-T. GRCh37 (hg19) VCF-style: chr5-1802467-G-T.
Identifiers: ClinVar variation 765370 (VCV000765370.34), dbSNP rs147278612, ClinGen allele CA3187596.